The following is an entry in ClinVar:

NM_007078.3(LDB3):c.1786G>A (p.Val596Ile)

Gene: LDB3 (LIM domain binding 3; plus strand). Cytogenetic location: 10q23.2.
Variant type: single nucleotide variant.
Coding change: c.1786G>A on transcript NM_007078.3 (MANE Select); coding-DNA position 1786, G replaced by A.
Protein change: p.Val596Ile; replaces valine 596 with isoleucine.
Molecular consequence: missense variant.
Genome position (GRCh38, 1-based): chr10:86,718,073, G>A. VCF-style: chr10-86718073-G-A. GRCh37 (hg19) VCF-style: chr10-88477830-G-A.
Other names: c.1456G>A, p.Val486Ile (NM_001080114.2); c.1801G>A, p.Val601Ile (NM_001171610.2); c.1597G>A, p.Val533Ile (NM_001368064.1, NM_001368065.1); c.1645G>A, p.Val549Ile (NM_001368066.1); short protein forms V596I, V533I, V549I, V601I, V486I.
Identifiers: ClinVar variation 163851 (VCV000163851.13), dbSNP rs727503130, ClinGen allele CA176558.

ClinVar aggregate classification (germline): Uncertain significance. Review status: criteria provided, multiple submitters, no conflicts (2 of 4 stars). 6 submissions from 6 submitters: Uncertain significance (6). Last evaluated 2025-04-22.

Conditions:
Cardiovascular phenotype. Identifiers: MedGen CN230736.
Myofibrillar myopathy 4. Also called: Zaspopathy (type). Identifiers: Orphanet 98912, MedGen C4721886, MONDO:0012277, OMIM 609452.

Allele frequency attached by ClinVar (database versions not stated): gnomAD 0.00001; ExAC 0.00002; gnomAD exomes 0.00002 and 0.00004; TOPMed 0.00002.
gnomAD v4.1: 58 of 1,614,006 alleles (0.0036%); highest among the groups gnomAD compares: Non-Finnish European, 0.0046%; no homozygotes.

Submissions (6):

GeneDx
Classification: Uncertain significance. Last evaluated: 2025-04-22. Review status: criteria provided, single submitter. Criteria: GeneDx Variant Classification Process June 2021. Collection method: clinical testing. Allele origin: germline. Affected: yes.
Comment: Reported in a cohort of patients with suspected non-ischemic cardiomyopathy after syncope or termination of sudden arrhythmic death; this patient also harbored a pathogenic variant in the KCNH2 gene (PMID: 38254962); Identified in a cohort of patients with amyotrophic lateral sclerosis (ALS) (PMID: 31475037); Not observed at significant frequency in large population cohorts (gnomAD); Reported using an alternate transcript of the gene; This variant is associated with the following publications: (PMID: 31475037, 38254962)

Ambry Genetics
Classification: Uncertain significance for Cardiovascular phenotype. Last evaluated: 2024-11-26. Review status: criteria provided, single submitter. Criteria: Ambry Variant Classification Scheme 2023. Collection method: clinical testing. Allele origin: germline.
Comment: The p.V596I variant (also known as c.1786G>A), located in coding exon 10 of the LDB3 gene, results from a G to A substitution at nucleotide position 1786. The valine at codon 596 is replaced by isoleucine, an amino acid with highly similar properties. This amino acid position is highly conserved in available vertebrate species. In addition, the in silico prediction for this alteration is inconclusive. Based on the available evidence, the clinical significance of this variant remains unclear.

Blueprint Genetics
Classification: Uncertain significance. Last evaluated: 2024-11-22. Review status: criteria provided, single submitter. Criteria: ACMG Guidelines, 2015. Collection method: clinical testing. Allele origin: germline.

ARUP Laboratories, Molecular Genetics and Genomics, ARUP Laboratories
Classification: Uncertain significance. Last evaluated: 2024-11-19. Review status: criteria provided, single submitter. Criteria: ARUP Molecular Germline Variant Investigation Process 2024. Collection method: clinical testing. Allele origin: germline.
Comment: The LDB3 c.1786G>A; p.Val596Ile variant (rs727503130) is reported in the literature in an individual with non-ischemic cardiomyopathy, although its clinical significance was not demonstrated (Vokac 2024). This variant is found in the non-Finnish European population with an allele frequency of 0.004% (5/113,766 alleles) in the Genome Aggregation Database (v2.1.1). Computational analyses are uncertain whether this variant is neutral or deleterious (REVEL: 0.405). Due to limited information, the clinical significance of this variant is uncertain at this time. References: Vokac D et al. The Role of Next-Generation Sequencing in the Management of Patients with Suspected Non-Ischemic Cardiomyopathy after Syncope or Termination of Sudden Arrhythmic Death. Genes (Basel). 2024 Jan 5;15(1):72. PMID: 38254962.

Labcorp Genetics (formerly Invitae), Labcorp
Classification: Uncertain significance for Myofibrillar myopathy 4. Last evaluated: 2024-01-25. Review status: criteria provided, single submitter. Criteria: Invitae Variant Classification Sherloc (09022015). Collection method: clinical testing. Allele origin: germline.
Comment: The LDB3 gene has multiple clinically relevant transcripts. This variant occurs in alternate transcript NM_007078.3, and corresponds to NM_001080116.1:c.*18699G>A in the primary transcript. This sequence change replaces valine, which is neutral and non-polar, with isoleucine, which is neutral and non-polar, at codon 596 of the LDB3 protein (p.Val596Ile). This variant is present in population databases (rs727503130, gnomAD 0.004%). This variant has not been reported in the literature in individuals affected with LDB3-related conditions. Experimental studies and prediction algorithms are not available or were not evaluated, and the functional significance of this variant is currently unknown. In summary, the available evidence is currently insufficient to determine the role of this variant in disease. Therefore, it has been classified as a Variant of Uncertain Significance.

Laboratory for Molecular Medicine, Mass General Brigham Personalized Medicine
Classification: Uncertain significance. Last evaluated: 2015-04-08. Review status: criteria provided, single submitter. Criteria: LMM Criteria. Collection method: clinical testing. Allele origin: germline. Observed: 2 variant alleles.
Comment: It has also been identified in 3/66734 European chromosomes by the Exome Aggregation Consortium (ExAC). Computational prediction tools and conservation analys is suggest that this variant may impact the protein, though this information is not predictive enough to determine pathogenicity. In summary, the clinical signi ficance of the p.Val596Ile variant is uncertain.